The following is an entry in ClinVar:

ClinVar aggregate classification (germline): Benign/Likely benign. Review status: criteria provided, multiple submitters, no conflicts (2 of 4 stars). 7 submissions from 7 submitters: Benign (5); Likely benign (2). Last evaluated 2026-01-21.

Conditions:
Myofibrillar myopathy 3 (MFM3). Also called: Autosomal dominant spheroid body myopathy; Muscular dystrophy, proximal, type 1A. Identifiers: Orphanet 266, Orphanet 268129, MedGen C3714934, MONDO:0012215, OMIM 609200.

Allele frequency attached by ClinVar (database versions not stated): gnomAD exomes 0.00031 and 0.00078; ExAC 0.00093; 1000 Genomes Project 30x 0.00172; 1000 Genomes Project 0.00200; gnomAD 0.00284 and 0.00311; ESP Exome Variant Server 0.00331; TOPMed 0.00338.
gnomAD v4.1: 888 of 1,597,378 alleles (0.056%); highest among the groups gnomAD compares: African/African-American, 0.94%; 3 homozygotes.

Submissions (7):

Labcorp Genetics (formerly Invitae), Labcorp
Classification: Benign for Myofibrillar myopathy 3. Last evaluated: 2026-01-21. Review status: criteria provided, single submitter. Criteria: Invitae Variant Classification Sherloc (09022015). Collection method: clinical testing. Allele origin: germline.

Blueprint Genetics
Classification: Likely benign. Last evaluated: 2024-11-26. Review status: criteria provided, single submitter. Criteria: ACMG Guidelines, 2015. Collection method: clinical testing. Allele origin: germline.

Women's Health and Genetics/Laboratory Corporation of America, LabCorp
Classification: Benign. Last evaluated: 2024-11-15. Review status: criteria provided, single submitter. Criteria: LabCorp Variant Classification Summary - May 2015. Collection method: clinical testing. Allele origin: germline.

Athena Diagnostics
Classification: Benign. Last evaluated: 2024-07-05. Review status: criteria provided, single submitter. Criteria: Athena Diagnostics Criteria. Collection method: clinical testing. Allele origin: unknown.

GeneDx
Classification: Likely benign. Last evaluated: 2018-02-13. Review status: criteria provided, single submitter. Criteria: GeneDx Variant Classification (06012015). Collection method: clinical testing. Allele origin: germline. Affected: yes.
Comment: This variant is considered likely benign or benign based on one or more of the following criteria: it is a conservative change, it occurs at a poorly conserved position in the protein, it is predicted to be benign by multiple in silico algorithms, and/or has population frequency not consistent with disease.

Eurofins Ntd Llc (ga)
Classification: Benign. Last evaluated: 2013-05-20. Review status: criteria provided, single submitter. Criteria: EGL Classification Definitions 2015. Collection method: clinical testing. Allele origin: germline. Observed: 1 variant allele, 1 heterozygote.

PreventionGenetics, part of Exact Sciences
Classification: Benign. Review status: criteria provided, single submitter. Criteria: ACMG Guidelines, 2015. Collection method: clinical testing. Allele origin: germline.

NM_006790.3(MYOT):c.1190+7T>C

Genes: MYOT (myotilin; plus strand), PKD2L2-DT (PKD2L2 divergent transcript; minus strand). Cytogenetic location: 5q31.2.
Variant type: single nucleotide variant.
Coding change: c.1190+7T>C on transcript NM_006790.3 (MANE Select); 7 bases into the intron after coding-DNA position 1190, T replaced by C.
Molecular consequence: intron variant.
Genome position (GRCh38, 1-based): chr5:137,886,220, T>C. VCF-style: chr5-137886220-T-C. GRCh37 (hg19) VCF-style: chr5-137221909-T-C.
Other names: c.845+7T>C (NM_001300911.2); c.638+7T>C (NM_001135940.2).
Identifiers: ClinVar variation 95437 (VCV000095437.20), dbSNP rs192405601, ClinGen allele CA148536.